The following is an entry in ClinVar:

NM_025243.4(SLC19A3):c.1212dup (p.Val406fs)

Gene: SLC19A3 (solute carrier family 19 member 3; minus strand). Cytogenetic location: 2q36.3.
Variant type: Duplication.
Coding change: c.1212dup on transcript NM_025243.4 (MANE Select); coding-DNA position 1212, one base duplicated (C; older notation c.1212dupC).
Protein change: p.Val406fs; shifts the reading frame from valine 406.
Molecular consequence: frameshift variant.
Genome position (GRCh38, 1-based): chr2:227,688,268, G duplicated on the plus strand (C on the coding strand, the reverse complement: SLC19A3 is on the minus strand); the first of 2 consecutive G bases (chr2:227,688,268-227,688,269); duplicating either gives the same sequence. VCF-style (leftmost placement, unchanged base first): chr2-227688267-A-AG. GRCh37 (hg19) VCF-style: chr2-228552983-A-AG.
Other names: c.1212dup, p.Val406fs (NM_001371411.1, NM_001371412.1); c.1200dup, p.Val402fs (NM_001371413.1, NM_001371414.1); short protein forms V406fs, V402fs.
Identifiers: ClinVar variation 2836128 (VCV002836128.3), dbSNP rs2470555117, ClinGen allele CA2739278932.

ClinVar aggregate classification (germline): Pathogenic (1 of 4 stars; one submission).

Conditions:
Biotin-responsive basal ganglia disease (BTBGD). Also called: THIAMINE METABOLISM DYSFUNCTION SYNDROME 2 (BIOTIN- AND THIAMINE-RESPONSIVE TYPE); Thiamine Transporter-2 Deficiency; Thiamine metabolism dysfunction syndrome type 2; Thiamine metabolism dysfunction syndrome 2 (biotin- or thiamine-responsive encephalopathy type 2); thiamine-responsive encephalopathy. Identifiers: Orphanet 199348, Orphanet 65284, MedGen C1843807, MONDO:0011841, OMIM 607483.

Submission:

Labcorp Genetics (formerly Invitae), Labcorp
Classification: Pathogenic for Biotin-responsive basal ganglia disease. Last evaluated: 2023-02-10. Review status: criteria provided, single submitter. Criteria: Invitae Variant Classification Sherloc (09022015). Collection method: clinical testing. Allele origin: germline.
Comment: This sequence change creates a premature translational stop signal (p.Val406Glyfs*72) in the SLC19A3 gene. While this is not anticipated to result in nonsense mediated decay, it is expected to disrupt the last 91 amino acid(s) of the SLC19A3 protein. This variant is not present in population databases (gnomAD no frequency). This variant has not been reported in the literature in individuals affected with SLC19A3-related conditions. This variant disrupts a region of the SLC19A3 protein in which other variant(s) (p.Thr422Ala) have been determined to be pathogenic (PMID: 15871139, 23742248, 24166474, 27749535). This suggests that this is a clinically significant region of the protein, and that variants that disrupt it are likely to be disease-causing. For these reasons, this variant has been classified as Pathogenic.

Literature cited by the submitters: PubMed 15871139; PubMed 23742248; PubMed 24166474; PubMed 27749535.